The following is an entry in ClinVar:

ClinVar aggregate classification (germline): Uncertain significance (1 of 4 stars; one submission).

Conditions:
Gastrointestinal stromal tumor. Also called: Gastrointestinal stromal tumor, somatic; Gastrointestinal stroma tumor. Identifiers: Orphanet 44890, MedGen C0238198, MeSH D046152, MONDO:0011719, OMIM 606764, HP:0100723.

Submissions (2):

Labcorp Genetics (formerly Invitae), Labcorp
Classification: Uncertain significance for Gastrointestinal stromal tumor. Last evaluated: 2025-11-10. Review status: criteria provided, single submitter. Criteria: Invitae Variant Classification Sherloc (09022015). Collection method: clinical testing. Allele origin: germline.
Comment: This sequence change affects an acceptor splice site in intron 20 of the KIT gene. While this variant is not anticipated to result in nonsense mediated decay, it likely alters RNA splicing and results in a disrupted protein product. This variant is not present in population databases (gnomAD no frequency). This variant has not been reported in the literature in individuals affected with KIT-related conditions. ClinVar contains an entry for this variant (Variation ID: 1015915). Variants that disrupt the consensus splice site are a relatively common cause of aberrant splicing (PMID: 17576681, 9536098). Algorithms developed to predict the effect of sequence changes on RNA splicing suggest that this variant may disrupt the consensus splice site. In summary, the available evidence is currently insufficient to determine the role of this variant in disease. Therefore, it has been classified as a Variant of Uncertain Significance.

Dr. Peter K. Rogan Lab, Western University
No classification provided (evidence only). Condition: Nonpapillary renal cell carcinoma. Review status: no classification provided. Collection method: in vitro. Allele origin: not applicable. Functional consequence: retained intron. Not counted in ClinVar's aggregate classification.

Literature cited by the submitters: PubMed 17576681 (cited by Labcorp Genetics (formerly Invitae), Labcorp); PubMed 9536098 (cited by Labcorp Genetics (formerly Invitae), Labcorp).

NM_000222.3(KIT):c.2803-1G>T

Gene: KIT (KIT proto-oncogene, receptor tyrosine kinase; plus strand). Cytogenetic location: 4q12.
Variant type: single nucleotide variant.
Coding change: c.2803-1G>T on transcript NM_000222.3 (MANE Select); the canonical splice acceptor site of the intron before coding-DNA position 2803, G replaced by T.
Molecular consequence: splice acceptor variant.
Genome position (GRCh38, 1-based): chr4:54,738,428, G>T. VCF-style: chr4-54738428-G-T. GRCh37 (hg19) VCF-style: chr4-55604594-G-T.
Other names: c.2806-1G>T (NM_001385284.1); c.2803-1G>T (NM_001385290.1); c.2794-1G>T (NM_001385288.1); c.2791-1G>T (NM_001385292.1, NM_001093772.2); c.2800-1G>T (NM_001385285.1); c.2788-1G>T (NM_001385286.1).
Identifiers: ClinVar variation 1015915 (VCV001015915.15), dbSNP rs1723049645, ClinGen allele CA356915640.